The following is an entry in ClinVar:

ClinVar aggregate classification (germline): Uncertain significance (1 of 4 stars; one submission).

Conditions:
Familial hypocalciuric hypercalcemia (FHH). Also called: Familial benign hypercalcemia. Identifiers: Orphanet 405, MedGen C1809471, MONDO:0018458.
Autosomal dominant hypocalcemia 1 (HYPOC1). Also called: HYPOCALCEMIA, FAMILIAL. Identifiers: MedGen C3715128, MONDO:0011013, OMIM 601198.

Submission:

Labcorp Genetics (formerly Invitae), Labcorp
Classification: Uncertain significance for Familial hypocalciuric hypercalcemia; Autosomal dominant hypocalcemia 1. Last evaluated: 2022-07-11. Review status: criteria provided, single submitter. Criteria: Invitae Variant Classification Sherloc (09022015). Collection method: clinical testing. Allele origin: germline.
Comment: In summary, the available evidence is currently insufficient to determine the role of this variant in disease. Therefore, it has been classified as a Variant of Uncertain Significance. Algorithms developed to predict the effect of missense changes on protein structure and function (SIFT, PolyPhen-2, Align-GVGD) all suggest that this variant is likely to be disruptive. This variant has not been reported in the literature in individuals affected with CASR-related conditions. This variant is not present in population databases (gnomAD no frequency). This sequence change replaces threonine, which is neutral and polar, with arginine, which is basic and polar, at codon 972 of the CASR protein (p.Thr972Arg).

NM_000388.4(CASR):c.2915C>G (p.Thr972Arg)

Gene: CASR (calcium sensing receptor; plus strand). Cytogenetic location: 3q21.1.
Variant type: single nucleotide variant.
Coding change: c.2915C>G on transcript NM_000388.4 (MANE Select); coding-DNA position 2915, C replaced by G.
Protein change: p.Thr972Arg; replaces threonine 972 with arginine.
Molecular consequence: missense variant.
Genome position (GRCh38, 1-based): chr3:122,284,869, C>G. VCF-style: chr3-122284869-C-G. GRCh37 (hg19) VCF-style: chr3-122003716-C-G.
Other names: c.2945C>G, p.Thr982Arg (NM_001178065.2); short protein forms T982R, T972R.
Identifiers: ClinVar variation 2015859 (VCV002015859.4), dbSNP rs200620134, ClinGen allele CA354161052.